The following is an entry in ClinVar:

NM_001079539.2(XBP1):c.573+1G>T

Gene: XBP1 (X-box binding protein 1; minus strand). Cytogenetic location: 22q12.1.
Variant type: single nucleotide variant.
Coding change: c.573+1G>T on transcript NM_001079539.2 (MANE Select); the canonical splice donor site of the intron after coding-DNA position 573, G replaced by T.
Molecular consequence: splice donor variant.
Genome position (GRCh38, 1-based): chr22:28,796,046, C>A on the plus strand (G>T on the coding strand, the complement: XBP1 is on the minus strand). VCF-style: chr22-28796046-C-A. GRCh37 (hg19) VCF-style: chr22-29192034-C-A.
Other names: c.599+1G>T (NM_005080.4); c.423+1G>T (NM_001393999.1); c.449+1G>T (NM_001394000.1).
Identifiers: ClinVar variation 811701 (VCV000811701.8), dbSNP rs1601436804, ClinGen allele CA411091059.
Genomic context (GRCh38, chr22:28,796,046, plus strand): 5'-GCATCAAACAGATGGAATTAACTGGTTATATAGCTCTTTAATAAGTCAGAATGATCCCTA[C>A]CTCTGAATCTGAAGAGTCAATACCGCCAGAATCCATGGGGAGATGTTCTGGAGGGGTGAC-3'

ClinVar aggregate classification (germline): Uncertain significance (1 of 4 stars; one submission).

Conditions:
Major affective disorder 7 (MAFD7). Identifiers: MedGen C2700438, MONDO:0012881, OMIM 612371.

Submission:

ARUP Laboratories, Molecular Genetics and Genomics, ARUP Laboratories
Classification: Uncertain significance for Major affective disorder 7. Last evaluated: 2018-07-12. Review status: criteria provided, single submitter. Criteria: ARUP Molecular Germline Variant Investigation Process. Collection method: clinical testing. Allele origin: germline.
Comment: The c.573+1G>T variant has not been reported in the scientific literature, gene specific variant databases including ClinVar or previously identified in our laboratory. Kakiuchi et al. (2003) reported an association between a polymorphism in the promoter region of the XBP1 gene and a susceptibility to bipolar disorder (BD) in 197 unrelated Japanese patients but Hou et al. (2004) did not find a significant association between the promoter polymorphism and BD in a Chinese cohort. Cheng et al. (2014) reported in a large meta-analysis a significant association between the XBP1 and BD among Asians, but not among BD in Caucasians. Thus, the association between the XBP1 gene and a susceptibility to major affective disorder is uncertain at this time, as is the clinical significance of the c.573+1G>T variant.